The following is an entry in ClinVar:

ClinVar aggregate classification (germline): Uncertain significance (1 of 4 stars; one submission).

Allele frequency attached by ClinVar (database versions not stated): ExAC 0.00001; gnomAD exomes 0.00005.
gnomAD v4.1: 97 of 1,613,970 alleles (0.006%); highest among the groups gnomAD compares: Non-Finnish European, 0.0077%; no homozygotes.

Submission:

Labcorp Genetics (formerly Invitae), Labcorp
Classification: Uncertain significance. Last evaluated: 2022-02-11. Review status: criteria provided, single submitter. Criteria: Invitae Variant Classification Sherloc (09022015). Collection method: clinical testing. Allele origin: germline.
Comment: Algorithms developed to predict the effect of missense changes on protein structure and function (SIFT, PolyPhen-2, Align-GVGD) all suggest that this variant is likely to be tolerated. In summary, the available evidence is currently insufficient to determine the role of this variant in disease. Therefore, it has been classified as a Variant of Uncertain Significance. This variant has not been reported in the literature in individuals affected with RBBP8-related conditions. This variant is present in population databases (rs768802597, gnomAD 0.009%). This sequence change replaces glutamic acid, which is acidic and polar, with glutamine, which is neutral and polar, at codon 752 of the RBBP8 protein (p.Glu752Gln).

NM_002894.3(RBBP8):c.2254G>C (p.Glu752Gln)

Gene: RBBP8 (RB binding protein 8, endonuclease; plus strand). Cytogenetic location: 18q11.2.
Variant type: single nucleotide variant.
Coding change: c.2254G>C on transcript NM_002894.3 (MANE Select); coding-DNA position 2254, G replaced by C.
Protein change: p.Glu752Gln; replaces glutamic acid 752 with glutamine.
Molecular consequence: missense variant.
Genome position (GRCh38, 1-based): chr18:23,001,696, G>C. VCF-style: chr18-23001696-G-C. GRCh37 (hg19) VCF-style: chr18-20581659-G-C.
Other names: c.2254G>C, p.Glu752Gln (NM_203291.2, NM_203292.2); short protein forms E752Q.
Identifiers: ClinVar variation 2170267 (VCV002170267.2), dbSNP rs768802597, ClinGen allele CA8910289.